The following is an entry in ClinVar:

ClinVar aggregate classification (germline): Likely benign (0 of 4 stars; one submission).

Conditions:
KRT6A-related disorder. Also called: KRT6A-related condition.

Allele frequency attached by ClinVar (database versions not stated): gnomAD 0.00008; gnomAD exomes 0.00014; ExAC 0.00035; 1000 Genomes Project 30x 0.00078; 1000 Genomes Project 0.00080.
gnomAD v4.1: 219 of 1,614,156 alleles (0.014%); highest among the groups gnomAD compares: South Asian, 0.23%; 2 homozygotes.

Submission:

PreventionGenetics, part of Exact Sciences
Classification: Likely benign for KRT6A-related condition. Last evaluated: 2020-02-05. Review status: no assertion criteria provided. Collection method: clinical testing. Allele origin: germline.
Comment: This variant is classified as likely benign based on ACMG/AMP sequence variant interpretation guidelines (Richards et al. 2015 PMID: 25741868, with internal and published modifications).

NM_005554.4(KRT6A):c.14C>T (p.Ser5Phe)

Gene: KRT6A (keratin 6A; minus strand). Cytogenetic location: 12q13.13.
Variant type: single nucleotide variant.
Coding change: c.14C>T on transcript NM_005554.4 (MANE Select); coding-DNA position 14, C replaced by T.
Protein change: p.Ser5Phe; replaces serine 5 with phenylalanine.
Molecular consequence: missense variant.
Genome position (GRCh38, 1-based): chr12:52,493,175, G>A on the plus strand (C>T on the coding strand, the complement: KRT6A is on the minus strand). VCF-style: chr12-52493175-G-A. GRCh37 (hg19) VCF-style: chr12-52886959-G-A.
Other names: short protein forms S5F.
Identifiers: ClinVar variation 3041915 (VCV003041915.2), dbSNP rs563614469, ClinGen allele CA6582364.